The following is an entry in ClinVar:

ClinVar aggregate classification (germline): Uncertain significance. Review status: criteria provided, multiple submitters, no conflicts (2 of 4 stars). 2 submissions from 2 submitters: Uncertain significance (2). Last evaluated 2024-11-04.

Conditions:
Inborn genetic diseases. Identifiers: MedGen C0950123, MeSH D030342.

Allele frequency attached by ClinVar (database versions not stated): gnomAD exomes below 0.00001 and 0.00001; gnomAD 0.00001; ExAC 0.00002; TOPMed 0.00002.

Submissions (2):

Labcorp Genetics (formerly Invitae), Labcorp
Classification: Uncertain significance. Last evaluated: 2024-11-04. Review status: criteria provided, single submitter. Criteria: Invitae Variant Classification Sherloc (09022015). Collection method: clinical testing. Allele origin: germline.
Comment: This sequence change replaces arginine, which is basic and polar, with tryptophan, which is neutral and slightly polar, at codon 3469 of the TRRAP protein (p.Arg3469Trp). This variant is present in population databases (rs748778272, gnomAD 0.002%). This variant has not been reported in the literature in individuals affected with TRRAP-related conditions. ClinVar contains an entry for this variant (Variation ID: 985547). An algorithm developed to predict the effect of missense changes on protein structure and function (PolyPhen-2) suggests that this variant is likely to be disruptive. In summary, the available evidence is currently insufficient to determine the role of this variant in disease. Therefore, it has been classified as a Variant of Uncertain Significance.

Ambry Genetics
Classification: Uncertain significance for Inborn genetic diseases. Last evaluated: 2021-12-17. Review status: criteria provided, single submitter. Criteria: Ambry Variant Classification Scheme 2023. Collection method: clinical testing. Allele origin: germline.
Comment: The c.10492C>T (p.R3498W) alteration is located in exon 67 (coding exon 66) of the TRRAP gene. This alteration results from a C to T substitution at nucleotide position 10492, causing the arginine (R) at amino acid position 3498 to be replaced by a tryptophan (W). Based on data from gnomAD, the T allele has an overall frequency of 0.0008% (2/248784) total alleles studied. The highest observed frequency was 0.002% (2/111912) of European (non-Finnish) alleles. This amino acid position is highly conserved in available vertebrate species. This missense alteration is located in a region that has a low rate of benign missense variation (Lek, 2016; Firth, 2009). This alteration is predicted to be deleterious by in silico analysis. Based on insufficient or conflicting evidence, the clinical significance of this alteration remains unclear.

NM_001375524.1(TRRAP):c.10534C>T (p.Arg3512Trp)

Gene: TRRAP (transformation/transcription domain associated protein; plus strand). Cytogenetic location: 7q22.1.
Variant type: single nucleotide variant.
Coding change: c.10534C>T on transcript NM_001375524.1 (MANE Select); coding-DNA position 10534, C replaced by T.
Protein change: p.Arg3512Trp; replaces arginine 3512 with tryptophan.
Molecular consequence: missense variant.
Genome position (GRCh38, 1-based): chr7:99,004,414, C>T. VCF-style: chr7-99004414-C-T. GRCh37 (hg19) VCF-style: chr7-98602037-C-T.
Other names: c.10492C>T, p.Arg3498Trp (NM_001244580.2); c.10405C>T, p.Arg3469Trp (NM_003496.4); short protein forms R3469W, R3498W, R3512W.
Identifiers: ClinVar variation 985547 (VCV000985547.7), dbSNP rs748778272, ClinGen allele CA4361921.